The following is an entry in ClinVar:

NM_006424.3(SLC34A2):c.529A>G (p.Thr177Ala)

Gene: SLC34A2 (solute carrier family 34 member 2; plus strand). Cytogenetic location: 4p15.2.
Variant type: single nucleotide variant.
Coding change: c.529A>G on transcript NM_006424.3 (MANE Select); coding-DNA position 529, A replaced by G.
Protein change: p.Thr177Ala; replaces threonine 177 with alanine.
Molecular consequence: missense variant.
Genome position (GRCh38, 1-based): chr4:25,667,885, A>G. VCF-style: chr4-25667885-A-G. GRCh37 (hg19) VCF-style: chr4-25669507-A-G.
Other names: c.526A>G, p.Thr176Ala (NM_001177998.2, NM_001177999.2); c.529A>G (NM_006424.2); short protein forms T176A, T177A.
Identifiers: ClinVar variation 3645134 (VCV003645134.3).
Genomic context (GRCh38, chr4:25,667,885, plus strand): 5'-GCCTGCCTCCAGGCTGCCTTTCTAAGCTTGCTAATGGTACTTTTCCATCCTCTAGTGCTC[A>G]CTGTTCGGGCTGCCATCCCCATTATCATGGGGGCCAACATTGGAACGTCAATCACCAACA-3'
Protein context (NP_006415.3, residues 167-187): VVSMVSSSLL[Thr177Ala]VRAAIPIIMG

ClinVar aggregate classification (germline): Uncertain significance. Review status: criteria provided, multiple submitters, no conflicts (2 of 4 stars). 2 submissions from 2 submitters: Uncertain significance (2). Last evaluated 2025-06-03.

Conditions:
Inborn genetic diseases. Identifiers: MedGen C0950123, MeSH D030342.

gnomAD v4.1: 44 of 1,610,376 alleles (0.0027%); highest among the groups gnomAD compares: Admixed American, 0.06%; no homozygotes.

Submissions (2):

Ambry Genetics
Classification: Uncertain significance for Inborn genetic diseases. Last evaluated: 2025-06-03. Review status: criteria provided, single submitter. Criteria: Ambry Variant Classification Scheme 2023. Collection method: clinical testing. Allele origin: germline.

Labcorp Genetics (formerly Invitae), Labcorp
Classification: Uncertain significance. Last evaluated: 2024-11-14. Review status: criteria provided, single submitter. Criteria: Invitae Variant Classification Sherloc (09022015). Collection method: clinical testing. Allele origin: germline.
Comment: This sequence change replaces threonine, which is neutral and polar, with alanine, which is neutral and non-polar, at codon 177 of the SLC34A2 protein (p.Thr177Ala). This variant is present in population databases (rs748033823, gnomAD 0.08%). This variant has not been reported in the literature in individuals affected with SLC34A2-related conditions. Invitae Evidence Modeling of protein sequence and biophysical properties (such as structural, functional, and spatial information, amino acid conservation, physicochemical variation, residue mobility, and thermodynamic stability) indicates that this missense variant is not expected to disrupt SLC34A2 protein function with a negative predictive value of 80%. In summary, the available evidence is currently insufficient to determine the role of this variant in disease. Therefore, it has been classified as a Variant of Uncertain Significance.